The following is an entry in ClinVar:

ClinVar aggregate classification (germline): Uncertain significance (1 of 4 stars; one submission).

Conditions:
Hereditary pheochromocytoma and paraganglioma. Also called: Hereditary paragangliomas and pheochromocytomas; Hereditary Paraganglioma-Pheochromocytoma Syndromes; Hereditary pheochromocytoma-paraganglioma. Identifiers: Orphanet 29072, MedGen C4274332, MONDO:0017366.

Submission:

Labcorp Genetics (formerly Invitae), Labcorp
Classification: Uncertain significance for Hereditary pheochromocytoma and paraganglioma. Last evaluated: 2025-05-19. Review status: criteria provided, single submitter. Criteria: Invitae Variant Classification Sherloc (09022015). Collection method: clinical testing. Allele origin: germline.
Comment: This sequence change replaces glutamine, which is neutral and polar, with glutamic acid, which is acidic and polar, at codon 97 of the MAX protein (p.Gln97Glu). This variant is not present in population databases (gnomAD no frequency). This variant has not been reported in the literature in individuals affected with MAX-related conditions. ClinVar contains an entry for this variant (Variation ID: 3644809). An algorithm developed to predict the effect of missense changes on protein structure and function (PolyPhen-2) suggests that this variant is likely to be tolerated. In summary, the available evidence is currently insufficient to determine the role of this variant in disease. Therefore, it has been classified as a Variant of Uncertain Significance.

NM_002382.5(MAX):c.289C>G (p.Gln97Glu)

Gene: MAX (MYC associated transcriptional regulator X; minus strand). Cytogenetic location: 14q23.3.
Variant type: single nucleotide variant.
Coding change: c.289C>G on transcript NM_002382.5 (MANE Select); coding-DNA position 289, C replaced by G.
Protein change: p.Gln97Glu; replaces glutamine 97 with glutamic acid.
Molecular consequence: missense variant. On other transcripts: 5 prime UTR variant (2), non-coding transcript variant (7), intron variant (2).
Genome position (GRCh38, 1-based): chr14:65,077,919, G>C on the plus strand (C>G on the coding strand, the complement: MAX is on the minus strand). VCF-style: chr14-65077919-G-C. GRCh37 (hg19) VCF-style: chr14-65544637-G-C.
Other names: c.15C>G, p.Ser5Arg (NM_001320415.2, NM_001407105.1, NM_001407106.1 and 1 more transcripts); c.289C>G, p.Gln97Glu (NM_001407094.1, NM_001407096.1, NM_001407097.1 and 3 more transcripts); c.262C>G, p.Gln88Glu (NM_001407095.1, NM_001407099.1, NM_001407100.1 and 6 more transcripts); c.181C>G, p.Gln61Glu (NM_001407098.1); c.-79C>G (NM_001407111.1, NM_001407112.1); c.144+15789C>G (NM_001271069.2); c.171+15789C>G (NM_197957.4); short protein forms S5R, Q61E, Q88E, Q97E.
Identifiers: ClinVar variation 3644809 (VCV003644809.2).